The following is an entry in ClinVar:

NM_001271.4(CHD2):c.2728G>A (p.Val910Ile)

Gene: CHD2 (chromodomain helicase DNA binding protein 2; plus strand). Cytogenetic location: 15q26.1.
Variant type: single nucleotide variant.
Coding change: c.2728G>A on transcript NM_001271.4 (MANE Select); coding-DNA position 2728, G replaced by A.
Protein change: p.Val910Ile; replaces valine 910 with isoleucine.
Molecular consequence: missense variant.
Genome position (GRCh38, 1-based): chr15:92,979,135, G>A. VCF-style: chr15-92979135-G-A. GRCh37 (hg19) VCF-style: chr15-93522365-G-A.
Other names: short protein forms V910I.
Identifiers: ClinVar variation 4736497 (VCV004736497.1).
Genomic context (GRCh38, chr15:92,979,135, plus strand): 5'-TTTTTTTGGGGGGGTTGGGGGGTGGTTCAGGCATAAGCATAACAGTTCCTTTTCCTACAG[G>A]TAAATATTTACCGCTTAGTTACAAAGGGGACTGTGGAGGAGGAGATCATAGAACGGGCCA-3'
Protein context (NP_001262.3, residues 900-920): RAHRIGQKKQ[Val910Ile]NIYRLVTKGT

ClinVar aggregate classification (germline): Uncertain significance (1 of 4 stars; one submission).

Conditions:
Developmental and epileptic encephalopathy 94 (DEE94). Also called: Epileptic encephalopathy, childhood-onset; CHD2-Related Neurodevelopmental Disorders. Identifiers: Orphanet 1942, Orphanet 2382, MedGen C3809278, MONDO:0014150, OMIM 615369.

Submission:

Labcorp Genetics (formerly Invitae), Labcorp
Classification: Uncertain significance for Developmental and epileptic encephalopathy 94. Last evaluated: 2026-01-31. Review status: criteria provided, single submitter. Criteria: Invitae Variant Classification Sherloc (09022015). Collection method: clinical testing. Allele origin: germline.
Comment: This sequence change replaces valine, which is neutral and non-polar, with isoleucine, which is neutral and non-polar, at codon 910 of the CHD2 protein (p.Val910Ile). This variant is not present in population databases (gnomAD no frequency). This variant has not been reported in the literature in individuals affected with CHD2-related conditions. An algorithm developed to predict the effect of missense changes on protein structure and function (PolyPhen-2) suggests that this variant is likely to be disruptive. In summary, the available evidence is currently insufficient to determine the role of this variant in disease. Therefore, it has been classified as a Variant of Uncertain Significance.